The following is an entry in ClinVar:

ClinVar aggregate classification (germline): Uncertain significance (1 of 4 stars; one submission).

Submission:

Labcorp Genetics (formerly Invitae), Labcorp
Classification: Uncertain significance. Last evaluated: 2022-05-29. Review status: criteria provided, single submitter. Criteria: Invitae Variant Classification Sherloc (09022015). Collection method: clinical testing. Allele origin: germline.
Comment: This sequence change replaces phenylalanine, which is neutral and non-polar, with cysteine, which is neutral and slightly polar, at codon 255 of the RDX protein (p.Phe255Cys). This variant is not present in population databases (gnomAD no frequency). This variant has not been reported in the literature in individuals affected with RDX-related conditions. Algorithms developed to predict the effect of missense changes on protein structure and function are either unavailable or do not agree on the potential impact of this missense change (SIFT: "Deleterious"; PolyPhen-2: "Possibly Damaging"; Align-GVGD: "Class C0"). In summary, the available evidence is currently insufficient to determine the role of this variant in disease. Therefore, it has been classified as a Variant of Uncertain Significance.

NM_002906.4(RDX):c.764T>G (p.Phe255Cys)

Gene: RDX (radixin; minus strand). Cytogenetic location: 11q22.3.
Variant type: single nucleotide variant.
Coding change: c.764T>G on transcript NM_002906.4 (MANE Select); coding-DNA position 764, T replaced by G.
Protein change: p.Phe255Cys; replaces phenylalanine 255 with cysteine.
Molecular consequence: missense variant. On other transcripts: intron variant (2).
Genome position (GRCh38, 1-based): chr11:110,255,320, A>C on the plus strand (T>G on the coding strand, the complement: RDX is on the minus strand). VCF-style: chr11-110255320-A-C. GRCh37 (hg19) VCF-style: chr11-110126045-A-C.
Other names: c.764T>G, p.Phe255Cys (NM_001260492.2, NM_001260493.2); c.356T>G, p.Phe119Cys (NM_001260494.2); c.-82-7487T>G (NM_001260495.2); c.404+2837T>G (NM_001260496.2); short protein forms F119C, F255C.
Identifiers: ClinVar variation 2000410 (VCV002000410.4), dbSNP rs1315647125, ClinGen allele CA382867626.